The following is an entry in ClinVar:

ClinVar aggregate classification (germline): Benign. Review status: criteria provided, multiple submitters, no conflicts (2 of 4 stars). 2 submissions from 2 submitters: Benign (2). Last evaluated 2018-06-19.

Allele frequency attached by ClinVar (database versions not stated): gnomAD 0.27970 and 0.28137; TOPMed 0.29105; 1000 Genomes Project 0.35204; 1000 Genomes Project 30x 0.35353.

Submissions (2):

GeneDx
Classification: Benign. Last evaluated: 2018-06-19. Review status: criteria provided, single submitter. Criteria: GeneDx Variant Classification (06012015). Collection method: clinical testing. Allele origin: germline. Affected: yes.
Comment: This variant is considered likely benign or benign based on one or more of the following criteria: it is a conservative change, it occurs at a poorly conserved position in the protein, it is predicted to be benign by multiple in silico algorithms, and/or has population frequency not consistent with disease.

Breakthrough Genomics
Classification: Benign. Review status: criteria provided, single submitter. Criteria: ACMG Guidelines, 2015. Collection method: not provided. Allele origin: germline. Inheritance: Autosomal dominant inheritance. Affected: yes.

NM_001347721.2(DYRK1A):c.-76-1445A>G

Gene: DYRK1A (dual specificity tyrosine phosphorylation regulated kinase 1A; plus strand). Cytogenetic location: 21q22.13.
Variant type: single nucleotide variant.
Coding change: c.-76-1445A>G on transcript NM_001347721.2 (MANE Select); 1445 bases into the intron before 76 bases upstream of the start codon, A replaced by G.
Molecular consequence: intron variant.
Genome position (GRCh38, 1-based): chr21:37,418,854, A>G. VCF-style: chr21-37418854-A-G. GRCh37 (hg19) VCF-style: chr21-38791156-A-G.
Other names: c.-76-1445A>G (NM_001396.5, NM_001347722.2, NM_101395.2); c.-78+51226A>G (NM_001347723.2).
Identifiers: ClinVar variation 679843 (VCV000679843.2), dbSNP rs2835725, ClinGen allele CA14886226.